The following is an entry in ClinVar:

NM_001046.3(SLC12A2):c.305C>A (p.Ala102Glu)

Genes: SLC12A2 (solute carrier family 12 member 2; plus strand), LOC129994526 (ATAC-STARR-seq lymphoblastoid silent region 16295; plus strand). Cytogenetic location: 5q23.3.
Variant type: single nucleotide variant.
Coding change: c.305C>A on transcript NM_001046.3 (MANE Select); coding-DNA position 305, C replaced by A.
Protein change: p.Ala102Glu; replaces alanine 102 with glutamic acid.
Molecular consequence: missense variant. On other transcripts: non-coding transcript variant (1).
Genome position (GRCh38, 1-based): chr5:128,084,259, C>A. VCF-style: chr5-128084259-C-A. GRCh37 (hg19) VCF-style: chr5-127419951-C-A.
Other names: c.305C>A, p.Ala102Glu (NM_001256461.2); short protein forms A102E.
Identifiers: ClinVar variation 3635536 (VCV003635536.2).

ClinVar aggregate classification (germline): Uncertain significance (1 of 4 stars; one submission).

Submission:

Labcorp Genetics (formerly Invitae), Labcorp
Classification: Uncertain significance. Last evaluated: 2025-12-08. Review status: criteria provided, single submitter. Criteria: Invitae Variant Classification Sherloc (09022015). Collection method: clinical testing. Allele origin: germline.
Comment: This sequence change replaces alanine, which is neutral and non-polar, with glutamic acid, which is acidic and polar, at codon 102 of the SLC12A2 protein (p.Ala102Glu). This variant is not present in population databases (gnomAD no frequency). This variant has not been reported in the literature in individuals affected with SLC12A2-related conditions. ClinVar contains an entry for this variant (Variation ID: 3635536). Invitae Evidence Modeling of protein sequence and biophysical properties (such as structural, functional, and spatial information, amino acid conservation, physicochemical variation, residue mobility, and thermodynamic stability) indicates that this missense variant is not expected to disrupt SLC12A2 protein function with a negative predictive value of 95%. In summary, the available evidence is currently insufficient to determine the role of this variant in disease. Therefore, it has been classified as a Variant of Uncertain Significance.